The following is an entry in ClinVar:

ClinVar aggregate classification (germline): Likely pathogenic. Review status: criteria provided, single submitter (1 of 4 stars). 2 submissions from 2 submitters: Likely pathogenic (1). 1 of the submissions does not count toward it. Last evaluated 2025-03-28.

Conditions:
Leber congenital amaurosis (LCA). Also called: Leber's amaurosis. Identifiers: Orphanet 65, MedGen C0339527, MeSH D057130, MONDO:0018998.
Leber congenital amaurosis 8 (LCA8). Identifiers: Orphanet 65, MedGen C3151202, MONDO:0013453, OMIM 613835.

Submissions (2):

Natera, Inc.
Classification: Likely pathogenic for Leber congenital amaurosis. Last evaluated: 2025-03-28. Review status: criteria provided, single submitter. Criteria: Natera Variant Classification Schema (03/2026). Collection method: clinical testing. Allele origin: germline.
Comment: The c.3997G>T variant in CRB1 is a nonsense variant predicted to introduce a stop codon at amino acid 1333. This variant is expected to result in nonsense mediated decay, truncation, or a dysfunctional protein product. This variant is rare in the general population with a frequency below the threshold expected for the associated phenotype(s). This variant has been observed in one or more individuals affected with the associated recessive disease, as either homozygous or compound heterozygous with a second variant (PMID: 31816670). Given the available evidence, this variant is classified as Likely Pathogenic.

OMIM
Classification: Pathogenic for LEBER CONGENITAL AMAUROSIS 8. Last evaluated: 2001-07-01. Review status: no assertion criteria provided. Collection method: literature only. Allele origin: germline. Not counted in ClinVar's aggregate classification.

Literature cited by the submitters: PubMed 31816670 (cited by Natera, Inc.); PubMed 11389483 (cited by OMIM).

NM_201253.3(CRB1):c.3997G>T (p.Glu1333Ter)

Gene: CRB1 (crumbs cell polarity complex component 1; plus strand). Cytogenetic location: 1q31.3.
Variant type: single nucleotide variant.
Coding change: c.3997G>T on transcript NM_201253.3 (MANE Select); coding-DNA position 3997, G replaced by T.
Protein change: p.Glu1333Ter; replaces glutamic acid 1333 with a stop codon.
Molecular consequence: nonsense. On other transcripts: non-coding transcript variant (2).
Genome position (GRCh38, 1-based): chr1:197,442,284, G>T. VCF-style: chr1-197442284-G-T. GRCh37 (hg19) VCF-style: chr1-197411414-G-T.
Other names: c.3661G>T, p.Glu1221Ter (NM_001193640.2); c.3925G>T, p.Glu1309Ter (NM_001257965.2); c.2389G>T, p.Glu797Ter (NM_001257966.2); c.3997G>T (NM_201253.2); short protein forms E1333*, E1221*, E1309*, E797*.
Identifiers: ClinVar variation 5735 (VCV000005735.2), dbSNP rs137853136, ClinGen allele CA117708.